The following is an entry in ClinVar:

NM_000465.4(BARD1):c.888A>C (p.Glu296Asp)

Gene: BARD1 (BRCA1 associated RING domain 1; minus strand). Cytogenetic location: 2q35.
Variant type: single nucleotide variant.
Coding change: c.888A>C on transcript NM_000465.4 (MANE Select); coding-DNA position 888, A replaced by C.
Protein change: p.Glu296Asp; replaces glutamic acid 296 with aspartic acid.
Molecular consequence: missense variant. On other transcripts: non-coding transcript variant (2), intron variant (3).
Genome position (GRCh38, 1-based): chr2:214,780,986, T>G on the plus strand (A>C on the coding strand, the complement: BARD1 is on the minus strand). VCF-style: chr2-214780986-T-G. GRCh37 (hg19) VCF-style: chr2-215645710-T-G.
Other names: c.888A>C (NM_000465.2); c.831A>C, p.Glu277Asp (NM_001282543.2); c.158+28426A>C (NM_001282548.2); c.215+16075A>C (NM_001282545.2); c.364+11311A>C (NM_001282549.2); short protein forms E277D, E296D.
Identifiers: ClinVar variation 1049907 (VCV001049907.2), dbSNP rs2106109942, ClinGen allele CA350455142.

ClinVar aggregate classification (germline): Uncertain significance. Review status: criteria provided, single submitter (1 of 4 stars). 2 submissions from 2 submitters: Uncertain significance (1). 1 of the submissions does not count toward it. Last evaluated 2026-09-11.

Conditions:
Hereditary cancer-predisposing syndrome. Also called: Tumor predisposition; Hereditary Cancer Syndrome; Hereditary neoplastic syndrome; Neoplastic Syndromes, Hereditary. Identifiers: Orphanet 140162, MedGen C0027672, MeSH D009386, MONDO:0015356.

Submissions (2):

Ambry Genetics
Classification: Uncertain significance for Hereditary cancer-predisposing syndrome. Last evaluated: 2026-09-11. Review status: criteria provided, single submitter. Criteria: Ambry Variant Classification Scheme 2023. Collection method: clinical testing. Allele origin: germline.
Comment: The p.E296D variant (also known as c.888A>C), located in coding exon 4 of the BARD1 gene, results from an A to C substitution at nucleotide position 888. The glutamic acid at codon 296 is replaced by aspartic acid, an amino acid with highly similar properties. This amino acid position is well conserved in available vertebrate species. In addition, this alteration is predicted to be tolerated by in silico analysis. Based on the available evidence, the clinical significance of this variant remains unclear.

Department of Pathology and Laboratory Medicine, Sinai Health System
Classification: Uncertain significance. Review status: no assertion criteria provided. Collection method: clinical testing. Allele origin: unknown. Affected: yes. Study: The Canadian Open Genetics Repository (COGR). Not counted in ClinVar's aggregate classification.
Comment: The BARD1 p.Glu296Asp variant was not identified in the literature nor was it identified in the dbSNP, ClinVar, Cosmic, MutDB, Zhejiang University Database, the 1000 Genomes Project, the NHLBI GO Exome Sequencing Project, the Exome Aggregation Consortium (August 8th 2016), or the Genome Aggregation Database (Feb 27, 2017). The p.Glu296 residue is conserved in mammals but not in more distantly related organisms however four out of five computational analyses (PolyPhen-2, SIFT, AlignGVGD, BLOSUM, MutationTaster) do not suggest a high likelihood that the variant Asp impacts the protein; this information is not predictive enough to rule out pathogenicity. The variant occurs outside of the splicing consensus sequence and 1 of 5 in silico or computational prediction software programs (SpliceSiteFinder, MaxEntScan, NNSPLICE, GeneSplicer, HumanSpliceFinder) predict a greater than 10% difference in splicing; this is not very predictive of pathogenicity. In summary, based on the above information the clinical significance of this variant cannot be determined with certainty at this time. This variant is classified as a variant of uncertain significance.